The following is an entry in ClinVar:

NM_006261.5(PROP1):c.632C>A (p.Pro211His)

Gene: PROP1 (PROP paired-like homeobox 1; minus strand). Cytogenetic location: 5q35.3.
Variant type: single nucleotide variant.
Coding change: c.632C>A on transcript NM_006261.5 (MANE Select); coding-DNA position 632, C replaced by A.
Protein change: p.Pro211His; replaces proline 211 with histidine.
Molecular consequence: missense variant.
Genome position (GRCh38, 1-based): chr5:177,992,758, G>T on the plus strand (C>A on the coding strand, the complement: PROP1 is on the minus strand). VCF-style: chr5-177992758-G-T. GRCh37 (hg19) VCF-style: chr5-177419759-G-T.
Other names: short protein forms P211H.
Identifiers: ClinVar variation 3047433 (VCV003047433.2), dbSNP rs775538186, ClinGen allele CA3587483.

ClinVar aggregate classification (germline): Uncertain significance (0 of 4 stars; one submission).

Conditions:
PROP1-related disorder. Also called: PROP1-related condition.

Submission:

PreventionGenetics, part of Exact Sciences
Classification: Uncertain significance for PROP1-related condition. Last evaluated: 2024-01-25. Review status: no assertion criteria provided. Collection method: clinical testing. Allele origin: germline.
Comment: The PROP1 c.632C>A variant is predicted to result in the amino acid substitution p.Pro211His. To our knowledge, this variant has not been reported in the literature. This variant is reported in 0.0039% of alleles in individuals of European (Non-Finnish) descent in gnomAD. At this time, the clinical significance of this variant is uncertain due to the absence of conclusive functional and genetic evidence.